The following is an entry in ClinVar:

ClinVar aggregate classification (germline): Uncertain significance (1 of 4 stars; one submission).

Submission:

Labcorp Genetics (formerly Invitae), Labcorp
Classification: Uncertain significance. Last evaluated: 2021-08-27. Review status: criteria provided, single submitter. Criteria: Invitae Variant Classification Sherloc (09022015). Collection method: clinical testing. Allele origin: germline.
Comment: This sequence change replaces isoleucine with leucine at codon 189 of the LRP5 protein (p.Ile189Leu). The isoleucine residue is highly conserved and there is a small physicochemical difference between isoleucine and leucine. This variant is not present in population databases (ExAC no frequency). This variant has not been reported in the literature in individuals affected with LRP5-related conditions. Algorithms developed to predict the effect of missense changes on protein structure and function are either unavailable or do not agree on the potential impact of this missense change (SIFT: "Deleterious"; PolyPhen-2: "Benign"; Align-GVGD: "Class C0"). In summary, the available evidence is currently insufficient to determine the role of this variant in disease. Therefore, it has been classified as a Variant of Uncertain Significance.

NM_002335.4(LRP5):c.565A>C (p.Ile189Leu)

Gene: LRP5 (LDL receptor related protein 5; plus strand). Cytogenetic location: 11q13.2.
Variant type: single nucleotide variant.
Coding change: c.565A>C on transcript NM_002335.4 (MANE Select); coding-DNA position 565, A replaced by C.
Protein change: p.Ile189Leu; replaces isoleucine 189 with leucine.
Molecular consequence: missense variant. On other transcripts: 5 prime UTR variant (1).
Genome position (GRCh38, 1-based): chr11:68,357,726, A>C. VCF-style: chr11-68357726-A-C. GRCh37 (hg19) VCF-style: chr11-68125194-A-C.
Other names: c.-1201A>C (NM_001291902.2); short protein forms I189L.
Identifiers: ClinVar variation 855234 (VCV000855234.4), dbSNP rs2098624333, ClinGen allele CA381611785.